The following is an entry in ClinVar:

NM_014874.4(MFN2):c.2224G>C (p.Asp742His)

Gene: MFN2 (mitofusin 2; plus strand). Cytogenetic location: 1p36.22.
Variant type: single nucleotide variant.
Coding change: c.2224G>C on transcript NM_014874.4 (MANE Select); coding-DNA position 2224, G replaced by C.
Protein change: p.Asp742His; replaces aspartic acid 742 with histidine.
Molecular consequence: missense variant.
Genome position (GRCh38, 1-based): chr1:12,011,515, G>C. VCF-style: chr1-12011515-G-C. GRCh37 (hg19) VCF-style: chr1-12071572-G-C.
Other names: c.2224G>C, p.Asp742His (NM_001127660.2); short protein forms D742H.
Identifiers: ClinVar variation 2772587 (VCV002772587.3), dbSNP rs2523134694, ClinGen allele CA338453899.

ClinVar aggregate classification (germline): Uncertain significance (1 of 4 stars; one submission).

Conditions:
Charcot-Marie-Tooth disease type 2. Also called: Charcot-Marie-Tooth type 2. Identifiers: Orphanet 64746, MedGen C0270914, MONDO:0018993.

Submission:

Labcorp Genetics (formerly Invitae), Labcorp
Classification: Uncertain significance for Charcot-Marie-Tooth disease type 2. Last evaluated: 2023-10-29. Review status: criteria provided, single submitter. Criteria: Invitae Variant Classification Sherloc (09022015). Collection method: clinical testing. Allele origin: germline.
Comment: This sequence change replaces aspartic acid, which is acidic and polar, with histidine, which is basic and polar, at codon 742 of the MFN2 protein (p.Asp742His). This variant is not present in population databases (gnomAD no frequency). This variant has not been reported in the literature in individuals affected with MFN2-related conditions. Advanced modeling of protein sequence and biophysical properties (such as structural, functional, and spatial information, amino acid conservation, physicochemical variation, residue mobility, and thermodynamic stability) has been performed at Invitae for this missense variant, however the output from this modeling did not meet the statistical confidence thresholds required to predict the impact of this variant on MFN2 protein function. In summary, the available evidence is currently insufficient to determine the role of this variant in disease. Therefore, it has been classified as a Variant of Uncertain Significance.